The following is an entry in ClinVar:

ClinVar aggregate classification (germline): Conflicting classifications of pathogenicity. Review status: criteria provided, conflicting classifications (1 of 4 stars). 8 submissions from 8 submitters: Uncertain significance (1); Benign (3); Likely benign (3). 1 of the submissions does not count toward it. Last evaluated 2025-12-10.

Conditions:
Developmental and epileptic encephalopathy, 42 (DEE42A). Also called: DEVELOPMENTAL AND EPILEPTIC ENCEPHALOPATHY 42A; EPILEPTIC ENCEPHALOPATHY, EARLY INFANTILE, 42A; Epileptic encephalopathy, early infantile, 42. Identifiers: MedGen C4310716, MONDO:0014917, OMIM 617106.
Episodic ataxia type 2 (EA2). Also called: ACETAZOLAMIDE-RESPONSIVE HEREDITARY PAROXYSMAL CEREBELLAR ATAXIA; ATAXIA, EPISODIC, WITH NYSTAGMUS; ATAXIA, FAMILIAL PAROXYSMAL; CEREBELLAR ATAXIA, PAROXYSMAL, ACETAZOLAMIDE-RESPONSIVE; CEREBELLOPATHY, HEREDITARY PAROXYSMAL; EPISODIC ATAXIA, NYSTAGMUS-ASSOCIATED. Identifiers: Orphanet 97, MedGen C1720416, MONDO:0007163, OMIM 108500.
CACNA1A-related disorder. Also called: CACNA1A-related condition.
Inborn genetic diseases. Identifiers: MedGen C0950123, MeSH D030342.

Submissions (8):

Women's Health and Genetics/Laboratory Corporation of America, LabCorp
Classification: Likely benign. Last evaluated: 2025-12-10. Review status: criteria provided, single submitter. Criteria: LabCorp Variant Classification Summary - May 2015. Collection method: clinical testing. Allele origin: germline.

Mayo Clinic Laboratories, Mayo Clinic
Classification: Benign. Last evaluated: 2025-09-04. Review status: criteria provided, single submitter. Criteria: ACMG Guidelines, 2015. Collection method: clinical testing. Allele origin: germline. Observed: 2 variant alleles.
Comment: BS1, BS2

Blueprint Genetics
Classification: Likely benign. Last evaluated: 2024-11-27. Review status: criteria provided, single submitter. Criteria: ACMG Guidelines, 2015. Collection method: clinical testing. Allele origin: germline.

Labcorp Genetics (formerly Invitae), Labcorp
Classification: Uncertain significance for Developmental and epileptic encephalopathy, 42; Episodic ataxia type 2. Last evaluated: 2023-07-07. Review status: criteria provided, single submitter. Criteria: Invitae Variant Classification Sherloc (09022015). Collection method: clinical testing. Allele origin: germline.
Comment: This variant, c.6659_6661del, results in the deletion of 1 amino acid(s) of the CACNA1A protein (p.His2220del), but otherwise preserves the integrity of the reading frame. In summary, the available evidence is currently insufficient to determine the role of this variant in disease. Therefore, it has been classified as a Variant of Uncertain Significance. ClinVar contains an entry for this variant (Variation ID: 377042). This variant has not been reported in the literature in individuals affected with CACNA1A-related conditions. The frequency data for this variant in the population databases is considered unreliable, as metrics indicate poor data quality at this position in the gnomAD database.

GeneDx
Classification: Benign. Last evaluated: 2020-01-29. Review status: criteria provided, single submitter. Criteria: GeneDx Variant Classification Process June 2021. Collection method: clinical testing. Allele origin: germline. Affected: yes.

Center for Pediatric Genomic Medicine, Children's Mercy Hospital and Clinics
Classification: Likely benign. Last evaluated: 2016-11-30. Review status: criteria provided, single submitter. Criteria: ACMG Guidelines, 2015. Collection method: clinical testing. Allele origin: germline.
ClinVar note: Converted during submission from Likely Benign to Likely benign.

Ambry Genetics
Classification: Benign for Inborn genetic diseases. Last evaluated: 2016-11-03. Review status: criteria provided, single submitter. Criteria: Ambry Variant Classification Scheme 2023. Collection method: clinical testing. Allele origin: germline.

PreventionGenetics, part of Exact Sciences
Classification: Likely benign for CACNA1A-related condition. Last evaluated: 2020-03-18. Review status: no assertion criteria provided. Collection method: clinical testing. Allele origin: germline. Not counted in ClinVar's aggregate classification.
Comment: This variant is classified as likely benign based on ACMG/AMP sequence variant interpretation guidelines (Richards et al. 2015 PMID: 25741868, with internal and published modifications).

NM_001127222.2(CACNA1A):c.6656_6658del (p.His2219del)

Gene: CACNA1A (calcium voltage-gated channel subunit alpha1 A; minus strand). Cytogenetic location: 19p13.13.
Variant type: Deletion.
Coding change: c.6656_6658del on transcript NM_001127222.2 (MANE Select); coding-DNA positions 6656 to 6658, 3 bases deleted (ATC; older notation c.6656_6658delATC).
Protein change: p.His2219del; deletes histidine 2219.
Molecular consequence: inframe deletion.
Genome position (GRCh38, 1-based): chr19:13,208,878-13,208,880, GAT deleted on the plus strand (ATC on the coding strand, the reverse complement: CACNA1A is on the minus strand); deleting any 3 consecutive bases within chr19:13,208,878-13,208,881 gives the same sequence; the c. name uses the placement nearest the transcript's 3' end. VCF-style (leftmost placement, unchanged base first): chr19-13208877-GGAT-G. GRCh37 (hg19) VCF-style: chr19-13319691-GGAT-G.
Other names: p.His2220del; c.6674_6676del, p.His2225del (NM_000068.4, NM_023035.3); c.6659_6661del, p.His2220del (NM_001127221.2); c.6665_6667del, p.His2222del (NM_001174080.2); c.6659_6661delATC (NM_001127221.1, NM_001127221.2); c.6656_6658delATC (NM_001127222.1); short protein forms H2220del, H2219del, H2222del, H2225del.
Identifiers: ClinVar variation 377042 (VCV000377042.19), dbSNP rs749638821, ClinGen allele CA9239299.
Genomic context (GRCh38, chr19:13,208,877, plus strand): 5'-GCCCGTGCCCGGCCGTGGTCCGGCCGTTCCTGGGCATAGCGGTCCTTGTCGGGGGGCGGG[GGAT>G]GGTGGTGGTGGTGGTGGTGGTGGTGGTGCTGTCGATGCTTCCGATCCTTGGGCCGGCCCC-3'